The following is an entry in ClinVar:

ClinVar aggregate classification (germline): Uncertain significance. Review status: criteria provided, multiple submitters, no conflicts (2 of 4 stars). 2 submissions from 2 submitters: Uncertain significance (2). Last evaluated 2025-10-02.

Conditions:
Inborn genetic diseases. Identifiers: MedGen C0950123, MeSH D030342.

gnomAD v4.1: 24 of 1,486,954 alleles (0.0016%); highest among the groups gnomAD compares: Non-Finnish European, 0.0021%; no homozygotes.

Submissions (2):

Ambry Genetics
Classification: Uncertain significance for Inborn genetic diseases. Last evaluated: 2025-10-02. Review status: criteria provided, single submitter. Criteria: Ambry Variant Classification Scheme 2023. Collection method: clinical testing. Allele origin: germline.

Labcorp Genetics (formerly Invitae), Labcorp
Classification: Uncertain significance. Last evaluated: 2024-04-08. Review status: criteria provided, single submitter. Criteria: Invitae Variant Classification Sherloc (09022015). Collection method: clinical testing. Allele origin: germline.
Comment: This sequence change replaces methionine, which is neutral and non-polar, with leucine, which is neutral and non-polar, at codon 38 of the ATP5D protein (p.Met38Leu). This variant is not present in population databases (gnomAD no frequency). This variant has not been reported in the literature in individuals affected with ATP5D-related conditions. An algorithm developed to predict the effect of missense changes on protein structure and function (PolyPhen-2) suggests that this variant is likely to be tolerated. In summary, the available evidence is currently insufficient to determine the role of this variant in disease. Therefore, it has been classified as a Variant of Uncertain Significance.

NM_001687.5(ATP5F1D):c.112A>T (p.Met38Leu)

Genes: ATP5F1D (ATP synthase F1 subunit delta; plus strand), LOC130062903 (ATAC-STARR-seq lymphoblastoid silent region 9673; plus strand). Cytogenetic location: 19p13.3.
Variant type: single nucleotide variant.
Coding change: c.112A>T on transcript NM_001687.5 (MANE Select); coding-DNA position 112, A replaced by T.
Protein change: p.Met38Leu; replaces methionine 38 with leucine.
Molecular consequence: missense variant.
Genome position (GRCh38, 1-based): chr19:1,241,962, A>T. VCF-style: chr19-1241962-A-T. GRCh37 (hg19) VCF-style: chr19-1241961-A-T.
Other names: c.112A>T, p.Met38Leu (NM_001001975.2); c.112A>T (NM_001687.4); short protein forms M38L.
Identifiers: ClinVar variation 3691756 (VCV003691756.3).
Genomic context (GRCh38, chr19:1,241,962, plus strand): 5'-CACGCCCGTGCCTATGCCGAGGCCGCCGCCGCCCCGGCTGCCGCCTCTGGCCCCAACCAG[A>T]TGTCCTTCACCTTCGCCTCTCCCACGCAGGTTCGGGCGCTGCGGGTCGGGACCCTCCGTG-3'
Protein context (NP_001678.1, residues 28-48): APAAASGPNQ[Met38Leu]SFTFASPTQV